The following is an entry in ClinVar:

NM_000890.5(KCNJ5):c.738G>A (p.Glu246=)

Gene: KCNJ5 (potassium inwardly rectifying channel subfamily J member 5; plus strand). Cytogenetic location: 11q24.3.
Variant type: single nucleotide variant.
Coding change: c.738G>A on transcript NM_000890.5 (MANE Select); coding-DNA position 738, G replaced by A.
Protein change: p.Glu246=; no amino-acid change (glutamic acid 246 retained).
Molecular consequence: synonymous variant.
Genome position (GRCh38, 1-based): chr11:128,912,011, G>A. VCF-style: chr11-128912011-G-A. GRCh37 (hg19) VCF-style: chr11-128781906-G-A.
Other names: c.738G>A (LRG_333t1); c.738G>A, p.Glu246= (NM_001354169.2).
Identifiers: ClinVar variation 517972 (VCV000517972.17), dbSNP rs372736753, ClinGen allele CA6357927.

ClinVar aggregate classification (germline): Benign/Likely benign. Review status: criteria provided, multiple submitters, no conflicts (2 of 4 stars). 6 submissions from 6 submitters: Benign (1); Likely benign (5). Last evaluated 2026-01-19.

Conditions:
Long QT syndrome (LQTS). Identifiers: MedGen C0023976, MeSH D008133, MONDO:0002442. Disease mechanism: loss of function. Inheritance: Various modes of inheritance.
KCNJ5-related disorder. Also called: KCNJ5-related condition.
Cardiovascular phenotype. Identifiers: MedGen CN230736.
Familial hyperaldosteronism type III. Also called: FH III; Familial hyperaldosteronism type 3. Identifiers: Orphanet 251274, MedGen C3838758, MONDO:0013359, OMIM 613677.
Long QT syndrome 13 (LQT13). Identifiers: Orphanet 101016, Orphanet 768, MedGen C3150733, MONDO:0013279, OMIM 613485.

Allele frequency attached by ClinVar (database versions not stated): TOPMed 0.00003; ExAC 0.00006; gnomAD exomes 0.00008.
gnomAD v4.1: 62 of 1,610,708 alleles (0.0038%); highest among the groups gnomAD compares: East Asian, 0.092%; 1 homozygote.

Submissions (6):

Labcorp Genetics (formerly Invitae), Labcorp
Classification: Benign for Long QT syndrome. Last evaluated: 2026-01-19. Review status: criteria provided, single submitter. Criteria: Invitae Variant Classification Sherloc (09022015). Collection method: clinical testing. Allele origin: germline.

PreventionGenetics, part of Exact Sciences
Classification: Likely benign for KCNJ5-related condition. Last evaluated: 2025-07-06. Review status: criteria provided, single submitter. Criteria: ACMG Guidelines, 2015. Collection method: clinical testing. Allele origin: germline.
Comment: This variant is classified as likely benign based on ACMG/AMP sequence variant interpretation guidelines (Richards et al. 2015 PMID: 25741868, with internal and published modifications).

Blueprint Genetics
Classification: Likely benign. Last evaluated: 2024-06-18. Review status: criteria provided, single submitter. Criteria: ACMG Guidelines, 2015. Collection method: clinical testing. Allele origin: germline.

Fulgent Genetics
Classification: Likely benign for Long QT syndrome 13; Familial hyperaldosteronism type III. Last evaluated: 2021-08-13. Review status: criteria provided, single submitter. Criteria: ACMG Guidelines, 2015. Collection method: clinical testing. Allele origin: unknown.

Ambry Genetics
Classification: Likely benign for Cardiovascular phenotype. Last evaluated: 2020-10-16. Review status: criteria provided, single submitter. Criteria: Ambry Variant Classification Scheme 2023. Collection method: clinical testing. Allele origin: germline.

GeneDx
Classification: Likely benign. Last evaluated: 2019-02-26. Review status: criteria provided, single submitter. Criteria: GeneDx Variant Classification Process June 2021. Collection method: clinical testing. Allele origin: germline. Affected: yes.